The following is an entry in ClinVar:

NM_003325.4(HIRA):c.1614-3C>T

Gene: HIRA (histone cell cycle regulator; minus strand). Cytogenetic location: 22q11.21.
Variant type: single nucleotide variant.
Coding change: c.1614-3C>T on transcript NM_003325.4 (MANE Select); 3 bases into the intron before coding-DNA position 1614, C replaced by T.
Molecular consequence: intron variant.
Genome position (GRCh38, 1-based): chr22:19,375,795, G>A on the plus strand (C>T on the coding strand, the complement: HIRA is on the minus strand). VCF-style: chr22-19375795-G-A. GRCh37 (hg19) VCF-style: chr22-19363318-G-A.
Other names: NC_000022.10:g.19363318G>A.
Identifiers: ClinVar variation 773095 (VCV000773095.14), dbSNP rs202083166, ClinGen allele CA10099626.

ClinVar aggregate classification (germline): Likely benign. Review status: criteria provided, multiple submitters, no conflicts (2 of 4 stars). 4 submissions from 4 submitters: Likely benign (3). 1 of the submissions does not count toward it. Last evaluated 2025-12-01.

Conditions:
HIRA-related disorder.

Allele frequency attached by ClinVar (database versions not stated): TOPMed 0.00155; 1000 Genomes Project 30x 0.00156; gnomAD 0.00156 and 0.00164; 1000 Genomes Project 0.00160; ESP Exome Variant Server 0.00169; ExAC 0.00208; gnomAD exomes 0.00212.
gnomAD v4.1: 4,308 of 1,614,008 alleles (0.27%); highest among the groups gnomAD compares: Middle Eastern, 0.64%; 22 homozygotes.

Submissions (7):

CeGaT Center for Human Genetics Tuebingen
Classification: Likely benign. Last evaluated: 2025-12-01. Review status: criteria provided, single submitter. Criteria: CeGaT Center For Human Genetics Tuebingen Variant Classification Criteria Version 2. Collection method: clinical testing. Allele origin: germline. Affected: yes. Observed: 2 variant alleles.
Comment: HIRA: BP4, BS2

Labcorp Genetics (formerly Invitae), Labcorp
Classification: Likely benign. Last evaluated: 2019-12-31. Review status: criteria provided, single submitter. Criteria: Invitae Variant Classification Sherloc (09022015). Collection method: clinical testing. Allele origin: germline.

Breakthrough Genomics
Classification: Likely benign. Review status: criteria provided, single submitter. Criteria: ACMG Guidelines, 2015. Collection method: not provided. Allele origin: germline. Inheritance: Unknown mechanism. Affected: yes.

PreventionGenetics, part of Exact Sciences
Classification: Likely benign for HIRA-related condition. Last evaluated: 2019-03-06. Review status: no assertion criteria provided. Collection method: clinical testing. Allele origin: germline. Not counted in ClinVar's aggregate classification.
Comment: This variant is classified as likely benign based on ACMG/AMP sequence variant interpretation guidelines (Richards et al. 2015 PMID: 25741868, with internal and published modifications).

Dr. Peter K. Rogan Lab, Western University
No classification provided (evidence only). Condition: Clear cell carcinoma of kidney. Review status: no classification provided. Collection method: in vitro. Allele origin: not applicable. Functional consequence: retained intron. Not counted in ClinVar's aggregate classification.

Dr. Peter K. Rogan Lab, Western University
No classification provided (evidence only). Condition: Clear cell carcinoma of kidney. Review status: no classification provided. Collection method: in vitro. Allele origin: not applicable. Functional consequence: retained intron. Not counted in ClinVar's aggregate classification.

Dr. Peter K. Rogan Lab, Western University
No classification provided (evidence only). Condition: Ovarian serous cystadenocarcinoma. Review status: no classification provided. Collection method: in vitro. Allele origin: not applicable. Functional consequence: retained intron. Not counted in ClinVar's aggregate classification.